The following is an entry in ClinVar:

ClinVar aggregate classification (germline): Uncertain significance (1 of 4 stars; one submission).

Conditions:
Familial thoracic aortic aneurysm and aortic dissection (TAAD). Also called: Thoracic aortic aneurysms and dissections. Identifiers: Orphanet 91387, MedGen C4707243, MONDO:0019625.

Submission:

Ambry Genetics
Classification: Uncertain significance for Familial thoracic aortic aneurysm and aortic dissection. Last evaluated: 2022-05-06. Review status: criteria provided, single submitter. Criteria: Ambry Variant Classification Scheme 2023. Collection method: clinical testing. Allele origin: germline.
Comment: The p.I44M variant (also known as c.132C>G), located in coding exon 1 of the CBS gene, results from a C to G substitution at nucleotide position 132. The isoleucine at codon 44 is replaced by methionine, an amino acid with highly similar properties. This amino acid position is conserved. In addition, the in silico prediction for this alteration is inconclusive. Since supporting evidence is limited at this time, the clinical significance of this alteration remains unclear.

NM_000071.3(CBS):c.132C>G (p.Ile44Met)

Gene: CBS (cystathionine beta-synthase; minus strand). Cytogenetic location: 21q22.3.
Variant type: single nucleotide variant.
Coding change: c.132C>G on transcript NM_000071.3 (MANE Select); coding-DNA position 132, C replaced by G.
Protein change: p.Ile44Met; replaces isoleucine 44 with methionine.
Molecular consequence: missense variant.
Genome position (GRCh38, 1-based): chr21:43,072,062, G>C on the plus strand (C>G on the coding strand, the complement: CBS is on the minus strand). VCF-style: chr21-43072062-G-C. GRCh37 (hg19) VCF-style: chr21-44492172-G-C.
Other names: c.132C>G, p.Ile44Met (NM_001178008.3, NM_001178009.3, NM_001320298.2); short protein forms I44M.
Identifiers: ClinVar variation 1770098 (VCV001770098.2), dbSNP rs1334019279, ClinGen allele CA410602377.